The following is an entry in ClinVar:

NM_001365999.1(SZT2):c.4987G>A (p.Gly1663Ser)

Gene: SZT2 (SZT2 subunit of KICSTOR complex; plus strand). Cytogenetic location: 1p34.2.
Variant type: single nucleotide variant.
Coding change: c.4987G>A on transcript NM_001365999.1 (MANE Select); coding-DNA position 4987, G replaced by A.
Protein change: p.Gly1663Ser; replaces glycine 1663 with serine.
Molecular consequence: missense variant.
Genome position (GRCh38, 1-based): chr1:43,431,335, G>A. VCF-style: chr1-43431335-G-A. GRCh37 (hg19) VCF-style: chr1-43897006-G-A.
Other names: c.4816G>A, p.Gly1606Ser (NM_015284.4); short protein forms G1606S, G1663S.
Identifiers: ClinVar variation 941037 (VCV000941037.7), dbSNP rs1437824989, ClinGen allele CA340023150.
Genomic context (GRCh38, chr1:43,431,335, plus strand): 5'-GAAAGCAGTGCTTCATTTCCACGATCCCCAGGGCAGCCATCATCTTTAAGGTCAGATGAT[G>A]GCCTCGGGCCCCCACTGCCACCCCCAGAAGAGGAGAGGTACTTCTTTATCTCCCTGTCAG-3'
Protein context (NP_001352928.1, residues 1653-1673): GQPSSLRSDD[Gly1663Ser]LGPPLPPPEE

ClinVar aggregate classification (germline): Uncertain significance (1 of 4 stars; one submission).

Allele frequency attached by ClinVar (database versions not stated): gnomAD exomes below 0.00001; TOPMed below 0.00001.
gnomAD v4.1: 2 of 1,613,012 alleles (0.00012%); highest among the groups gnomAD compares: Non-Finnish European, 0.00017%; no homozygotes.

Submission:

Labcorp Genetics (formerly Invitae), Labcorp
Classification: Uncertain significance. Last evaluated: 2023-11-27. Review status: criteria provided, single submitter. Criteria: Invitae Variant Classification Sherloc (09022015). Collection method: clinical testing. Allele origin: germline.
Comment: This sequence change replaces glycine, which is neutral and non-polar, with serine, which is neutral and polar, at codon 1606 of the SZT2 protein (p.Gly1606Ser). This variant is not present in population databases (gnomAD no frequency). This variant has not been reported in the literature in individuals affected with SZT2-related conditions. ClinVar contains an entry for this variant (Variation ID: 941037). Advanced modeling of protein sequence and biophysical properties (such as structural, functional, and spatial information, amino acid conservation, physicochemical variation, residue mobility, and thermodynamic stability) performed at Invitae indicates that this missense variant is not expected to disrupt SZT2 protein function with a negative predictive value of 80%. In summary, the available evidence is currently insufficient to determine the role of this variant in disease. Therefore, it has been classified as a Variant of Uncertain Significance.